The following is an entry in ClinVar:

NM_001367624.2(ZNF469):c.11406C>A (p.His3802Gln)

Gene: ZNF469 (zinc finger protein 469; plus strand). Cytogenetic location: 16q24.2.
Variant type: single nucleotide variant.
Coding change: c.11406C>A on transcript NM_001367624.2 (MANE Select); coding-DNA position 11406, C replaced by A.
Protein change: p.His3802Gln; replaces histidine 3802 with glutamine.
Molecular consequence: missense variant.
Genome position (GRCh38, 1-based): chr16:88,438,876, C>A. VCF-style: chr16-88438876-C-A. GRCh37 (hg19) VCF-style: chr16-88505284-C-A.
Other names: NM_001127464.1:c.11322C>A; NM_001127464.2:c.11322C>A; short protein forms H3802Q.
Identifiers: ClinVar variation 392227 (VCV000392227.44), dbSNP rs141042464, ClinGen allele CA8225607.

ClinVar aggregate classification (germline): Benign/Likely benign. Review status: criteria provided, multiple submitters, no conflicts (2 of 4 stars). 8 submissions from 8 submitters: Benign (3); Likely benign (5). Last evaluated 2026-05-04.

Conditions:
Brittle cornea syndrome 1 (BCS1). Also called: Corneal fragility keratoglobus, blue sclerae AND joint hypermobility; DYSGENESIS MESODERMALIS CORNEAE ET SCLERAE; CORNEAL FRAGILITY, KERATOGLOBUS, BLUE SCLERAE, JOINT HYPEREXTENSIBILITY; EDS6B; FRAGILITAS OCULI WITH JOINT HYPEREXTENSIBILITY. Identifiers: Orphanet 90354, MedGen C0268344, MONDO:0024543, OMIM 229200.
Cardiovascular phenotype. Identifiers: MedGen CN230736.
Ehlers-Danlos syndrome (EDS). Identifiers: Orphanet 98249, MedGen C0013720, MONDO:0020066.

Allele frequency attached by ClinVar (database versions not stated): TOPMed 0.00244; ESP Exome Variant Server 0.00263; 1000 Genomes Project 0.00419; 1000 Genomes Project 30x 0.00468.
gnomAD v4.1: 681 of 1,550,466 alleles (0.044%); highest among the groups gnomAD compares: African/African-American, 0.82%; 6 homozygotes.

Submissions (8):

Women's Health and Genetics/Laboratory Corporation of America, LabCorp
Classification: Likely benign. Last evaluated: 2026-05-04. Review status: criteria provided, single submitter. Criteria: LabCorp Variant Classification Summary - May 2015. Collection method: clinical testing. Allele origin: germline.
Comment: Variant summary: ZNF469 c.11406C>A (p.His3802Gln) results in a non-conservative amino acid change in the encoded protein sequence. Algorithms developed to predict the effect of missense changes on protein structure and function are either unavailable or do not agree on the potential impact of this missense change. The variant allele was found at a frequency of 0.00039 in 153660 control chromosomes, predominantly at a frequency of 0.0063 within the African or African-American subpopulation in the gnomAD database. The observed variant frequency within African or African-American control individuals in the gnomAD database exceeds the estimated maximal expected allele frequency for disease-causing variants in ZNF469. To our knowledge, no occurrence of c.11406C>A in individuals affected with ZNF469-related conditions and no experimental evidence demonstrating its impact on protein function have been reported. ClinVar contains an entry for this variant (Variation ID: 392227). Based on the evidence outlined above, the variant was classified as likely benign.

Labcorp Genetics (formerly Invitae), Labcorp
Classification: Benign. Last evaluated: 2026-01-27. Review status: criteria provided, single submitter. Criteria: Invitae Variant Classification Sherloc (09022015). Collection method: clinical testing. Allele origin: germline.

Blueprint Genetics
Classification: Likely benign. Last evaluated: 2024-11-13. Review status: criteria provided, single submitter. Criteria: ACMG Guidelines, 2015. Collection method: clinical testing. Allele origin: germline.

CeGaT Center for Human Genetics Tuebingen
Classification: Likely benign. Last evaluated: 2022-06-01. Review status: criteria provided, single submitter. Criteria: CeGaT Center For Human Genetics Tuebingen Variant Classification Criteria Version 2. Collection method: clinical testing. Allele origin: germline. Affected: yes. Observed: 2 variant alleles.
Comment: ZNF469: BP4

Genome-Nilou Lab
Classification: Benign for Brittle cornea syndrome 1. Last evaluated: 2021-12-05. Review status: criteria provided, single submitter. Criteria: ACMG Guidelines, 2015. Collection method: clinical testing. Allele origin: germline. Affected: no.

GeneDx
Classification: Likely benign. Last evaluated: 2021-09-16. Review status: criteria provided, single submitter. Criteria: GeneDx Variant Classification Process June 2021. Collection method: clinical testing. Allele origin: germline. Affected: yes.

Ambry Genetics
Classification: Benign for Cardiovascular phenotype. Last evaluated: 2020-03-18. Review status: criteria provided, single submitter. Criteria: Ambry Variant Classification Scheme 2023. Collection method: clinical testing. Allele origin: germline.

Genome Diagnostics Laboratory, The Hospital for Sick Children
Classification: Likely benign for Ehlers-Danlos syndrome. Last evaluated: 2018-11-01. Review status: criteria provided, single submitter. Criteria: ACMG Guidelines, 2015. Collection method: clinical testing. Allele origin: germline.